The following is an entry in ClinVar:

NM_001009944.3(PKD1):c.12602T>C (p.Leu4201Pro)

Gene: PKD1 (polycystin 1, transient receptor potential channel interacting; minus strand). Cytogenetic location: 16p13.3.
Variant type: single nucleotide variant.
Coding change: c.12602T>C on transcript NM_001009944.3 (MANE Select); coding-DNA position 12602, T replaced by C.
Protein change: p.Leu4201Pro; replaces leucine 4201 with proline.
Molecular consequence: missense variant.
Genome position (GRCh38, 1-based): chr16:2,090,037, A>G on the plus strand (T>C on the coding strand, the complement: PKD1 is on the minus strand). VCF-style: chr16-2090037-A-G. GRCh37 (hg19) VCF-style: chr16-2140038-A-G.
Other names: c.12599T>C (NM_000296.3); c.12599T>C, p.Leu4200Pro (NM_000296.4); short protein forms L4201P, L4200P.
Identifiers: ClinVar variation 3578828 (VCV003578828.3).
Genomic context (GRCh38, chr16:2,090,037, plus strand): 5'-GCCTCGAACACGGCTTGGAGGCGGGAGGGCTCAGGCTCACACCTTGTCCCCAGCCGGCCC[A>G]GGCTCACGCTCAGCCCATCCAGCTGGCTGGAGGAGGTGGAGGGGTGCGAGGCATCGGAGC-3'
Protein context (NP_001009944.3, residues 4191-4211): SSQLDGLSVS[Leu4201Pro]GRLGTRCEPE

ClinVar aggregate classification (germline): Uncertain significance. Review status: criteria provided, multiple submitters, no conflicts (2 of 4 stars). 3 submissions from 3 submitters: Uncertain significance (3). Last evaluated 2026-06-30.

Conditions:
PKD1-related disorder. Also called: PKD1-related condition.
Inborn genetic diseases. Identifiers: MedGen C0950123, MeSH D030342.
Polycystic kidney disease, adult type (PKD1). Also called: Polycystic Kidney Disease 1, Autosomal Dominant; Polycystic kidney disease 1; Polycystic kidney disease 1, severe; Polycystic Kidney, Autosomal Dominant; POLYCYSTIC KIDNEY DISEASE, ADULT, TYPE I; POLYCYSTIC KIDNEY DISEASE 1 WITH OR WITHOUT POLYCYSTIC LIVER DISEASE. Identifiers: MedGen C3149841, MONDO:0008263, OMIM 173900.

Submissions (3):

PreventionGenetics, part of Exact Sciences
Classification: Uncertain significance for PKD1-related condition. Last evaluated: 2026-06-30. Review status: criteria provided, single submitter. Criteria: ACMG Guidelines, 2015. Collection method: clinical testing. Allele origin: germline.
Comment: The PKD1 c.12602T>C variant is predicted to result in the amino acid substitution p.Leu4201Pro. To our knowledge, this variant has not been reported in the literature or in a large population database (gnomAD), indicating this variant is rare. At this time, the clinical significance of this variant is uncertain due to the absence of conclusive functional and genetic evidence.

Ambry Genetics
Classification: Uncertain significance for Inborn genetic diseases. Last evaluated: 2025-12-30. Review status: criteria provided, single submitter. Criteria: Ambry Variant Classification Scheme 2023. Collection method: clinical testing. Allele origin: germline.

Fulgent Genetics
Classification: Uncertain significance for Polycystic kidney disease, adult type. Last evaluated: 2024-03-22. Review status: criteria provided, single submitter. Criteria: ACMG Guidelines, 2015. Collection method: clinical testing. Allele origin: germline.